The following is an entry in ClinVar:

NM_001204424.2(RGS6):c.455A>C (p.Glu152Ala)

Gene: RGS6 (regulator of G protein signaling 6; plus strand). Cytogenetic location: 14q24.2.
Variant type: single nucleotide variant.
Coding change: c.455A>C on transcript NM_001204424.2 (MANE Select); coding-DNA position 455, A replaced by C.
Protein change: p.Glu152Ala; replaces glutamic acid 152 with alanine.
Molecular consequence: missense variant. On other transcripts: non-coding transcript variant (1).
Genome position (GRCh38, 1-based): chr14:72,465,818, A>C. VCF-style: chr14-72465818-A-C. GRCh37 (hg19) VCF-style: chr14-72932526-A-C.
Other names: c.455A>C, p.Glu152Ala (NM_001370282.1, NM_001370283.1, NM_001370284.1 and 29 more transcripts); c.350A>C, p.Glu117Ala (NM_001204423.2); short protein forms E152A, E117A.
Identifiers: ClinVar variation 3664447 (VCV003664447.2).

ClinVar aggregate classification (germline): Uncertain significance (1 of 4 stars; one submission).

gnomAD v4.1: 1 of 1,611,446 alleles (0.000062%); highest among the groups gnomAD compares: Admixed American, 0.0017%; no homozygotes.

Submission:

Labcorp Genetics (formerly Invitae), Labcorp
Classification: Uncertain significance. Last evaluated: 2024-10-08. Review status: criteria provided, single submitter. Criteria: Invitae Variant Classification Sherloc (09022015). Collection method: clinical testing. Allele origin: germline.
Comment: This sequence change replaces glutamic acid, which is acidic and polar, with alanine, which is neutral and non-polar, at codon 152 of the RGS6 protein (p.Glu152Ala). This variant is present in population databases (no rsID available, gnomAD 0.003%). This variant has not been reported in the literature in individuals affected with RGS6-related conditions. An algorithm developed to predict the effect of missense changes on protein structure and function (PolyPhen-2) suggests that this variant is likely to be disruptive. In summary, the available evidence is currently insufficient to determine the role of this variant in disease. Therefore, it has been classified as a Variant of Uncertain Significance.